The following is an entry in ClinVar:

ClinVar aggregate classification (germline): Uncertain significance (1 of 4 stars; one submission).

gnomAD v4.1: 4 of 1,613,992 alleles (0.00025%); highest among the groups gnomAD compares: Admixed American, 0.0017%; no homozygotes.

Submission:

Labcorp Genetics (formerly Invitae), Labcorp
Classification: Uncertain significance. Last evaluated: 2024-03-16. Review status: criteria provided, single submitter. Criteria: Invitae Variant Classification Sherloc (09022015). Collection method: clinical testing. Allele origin: germline.
Comment: This sequence change replaces histidine, which is basic and polar, with arginine, which is basic and polar, at codon 417 of the P4HB protein (p.His417Arg). This variant is not present in population databases (gnomAD no frequency). This variant has not been reported in the literature in individuals affected with P4HB-related conditions. Advanced modeling of protein sequence and biophysical properties (such as structural, functional, and spatial information, amino acid conservation, physicochemical variation, residue mobility, and thermodynamic stability) performed at Invitae indicates that this missense variant is not expected to disrupt P4HB protein function with a negative predictive value of 80%. In summary, the available evidence is currently insufficient to determine the role of this variant in disease. Therefore, it has been classified as a Variant of Uncertain Significance.

NM_000918.4(P4HB):c.1250A>G (p.His417Arg)

Gene: P4HB (prolyl 4-hydroxylase subunit beta; minus strand). Cytogenetic location: 17q25.3.
Variant type: single nucleotide variant.
Coding change: c.1250A>G on transcript NM_000918.4 (MANE Select); coding-DNA position 1250, A replaced by G.
Protein change: p.His417Arg; replaces histidine 417 with arginine.
Molecular consequence: missense variant.
Genome position (GRCh38, 1-based): chr17:81,845,670, T>C on the plus strand (A>G on the coding strand, the complement: P4HB is on the minus strand). VCF-style: chr17-81845670-T-C. GRCh37 (hg19) VCF-style: chr17-79803546-T-C.
Other names: short protein forms H417R.
Identifiers: ClinVar variation 3617087 (VCV003617087.2).